The following is an entry in ClinVar:

ClinVar aggregate classification (germline): Uncertain significance (1 of 4 stars; one submission).

Submission:

GeneDx
Classification: Uncertain significance. Last evaluated: 2023-01-17. Review status: criteria provided, single submitter. Criteria: GeneDx Variant Classification Process June 2021. Collection method: clinical testing. Allele origin: germline. Affected: yes.
Comment: Not observed at significant frequency in large population cohorts (gnomAD); In silico analysis supports that this missense variant has a deleterious effect on protein structure/function; In silico analysis suggests this variant may impact gene splicing. In the absence of RNA/functional studies, the actual effect of this sequence change is unknown.; Has not been previously published as pathogenic or benign to our knowledge

NM_012179.4(FBXO7):c.403A>T (p.Asn135Tyr)

Gene: FBXO7 (F-box protein 7; plus strand). Cytogenetic location: 22q12.3.
Variant type: single nucleotide variant.
Coding change: c.403A>T on transcript NM_012179.4 (MANE Select); coding-DNA position 403, A replaced by T.
Protein change: p.Asn135Tyr; replaces asparagine 135 with tyrosine.
Molecular consequence: missense variant.
Genome position (GRCh38, 1-based): chr22:32,479,261, A>T. VCF-style: chr22-32479261-A-T. GRCh37 (hg19) VCF-style: chr22-32875248-A-T.
Other names: c.166A>T, p.Asn56Tyr (NM_001033024.2); c.61A>T, p.Asn21Tyr (NM_001257990.2); short protein forms N135Y, N21Y, N56Y.
Identifiers: ClinVar variation 2573734 (VCV002573734.1), dbSNP rs2544655320, ClinGen allele CA411330734.